The following is an entry in ClinVar:

ClinVar aggregate classification (germline): Uncertain significance (1 of 4 stars; one submission).

Conditions:
Familial thoracic aortic aneurysm and aortic dissection (TAAD). Also called: Thoracic aortic aneurysms and dissections. Identifiers: Orphanet 91387, MedGen C4707243, MONDO:0019625.

Submission:

Ambry Genetics
Classification: Uncertain significance for Familial thoracic aortic aneurysm and aortic dissection. Last evaluated: 2018-04-11. Review status: criteria provided, single submitter. Criteria: Ambry Variant Classification Scheme 2023. Collection method: clinical testing. Allele origin: germline.
Comment: The p.Q1400H variant (also known as c.4200G>C), located in coding exon 25 of the NOTCH1 gene, results from a G to C substitution at nucleotide position 4200. The glutamine at codon 1400 is replaced by histidine, an amino acid with highly similar properties. This amino acid position is not well conserved in available vertebrate species, and histidine is the reference amino acid in other vertebrate species. In addition, this alteration is predicted to be tolerated by in silico analysis. Since supporting evidence is limited at this time, the clinical significance of this alteration remains unclear.

NM_017617.5(NOTCH1):c.4200G>C (p.Gln1400His)

Gene: NOTCH1 (notch receptor 1; minus strand). Cytogenetic location: 9q34.3.
Variant type: single nucleotide variant.
Coding change: c.4200G>C on transcript NM_017617.5 (MANE Select); coding-DNA position 4200, G replaced by C.
Protein change: p.Gln1400His; replaces glutamine 1400 with histidine.
Molecular consequence: missense variant.
Genome position (GRCh38, 1-based): chr9:136,505,696, C>G on the plus strand (G>C on the coding strand, the complement: NOTCH1 is on the minus strand). VCF-style: chr9-136505696-C-G. GRCh37 (hg19) VCF-style: chr9-139400148-C-G.
Other names: short protein forms Q1400H.
Identifiers: ClinVar variation 1738660 (VCV001738660.2), dbSNP rs2540438082, ClinGen allele CA375649160.